The following is an entry in ClinVar:

NM_001267550.2(TTN):c.48521T>G (p.Leu16174Ter)

Genes: TTN (titin; minus strand), TTN-AS1 (TTN antisense RNA 1; plus strand). Cytogenetic location: 2q31.2.
Variant type: single nucleotide variant.
Coding change: c.48521T>G on transcript NM_001267550.2 (MANE Select); coding-DNA position 48521, T replaced by G.
Protein change: p.Leu16174Ter; replaces leucine 16174 with a stop codon.
Molecular consequence: nonsense.
Genome position (GRCh38, 1-based): chr2:178,615,424, A>C on the plus strand (T>G on the coding strand, the complement: TTN is on the minus strand). VCF-style: chr2-178615424-A-C. GRCh37 (hg19) VCF-style: chr2-179480151-A-C.
Other names: c.43598T>G, p.Leu14533Ter (NM_001256850.1); c.21326T>G, p.Leu7109Ter (NM_003319.4); c.40817T>G, p.Leu13606Ter (NM_133378.4); c.21701T>G, p.Leu7234Ter (NM_133432.3); c.21902T>G, p.Leu7301Ter (NM_133437.4); short protein forms L7234*, L13606*, L14533*, L16174*, L7109*, L7301*.
Identifiers: ClinVar variation 2934510 (VCV002934510.3), dbSNP rs2470738026, ClinGen allele CA349609249.

ClinVar aggregate classification (germline): Likely pathogenic (1 of 4 stars; one submission).

Conditions:
Dilated cardiomyopathy 1G (CMD1G). Identifiers: Orphanet 154, MedGen C1858763, MONDO:0011400, OMIM 604145.
Autosomal recessive limb-girdle muscular dystrophy type 2J (LGMDR10). Also called: Limb-girdle muscular dystrophy, type 2J; MUSCULAR DYSTROPHY, LIMB-GIRDLE, AUTOSOMAL RECESSIVE 10. Identifiers: Orphanet 140922, MedGen C1837342, MONDO:0012127, OMIM 608807.

Submission:

Labcorp Genetics (formerly Invitae), Labcorp
Classification: Likely pathogenic for Dilated cardiomyopathy 1G; Autosomal recessive limb-girdle muscular dystrophy type 2J. Last evaluated: 2025-05-08. Review status: criteria provided, single submitter. Criteria: Invitae Variant Classification Sherloc (09022015). Collection method: clinical testing. Allele origin: germline.
Comment: This sequence change creates a premature translational stop signal (p.Leu16174*) in the TTN gene. While this is not anticipated to result in nonsense mediated decay, it is expected to create a truncated TTN protein. This variant is not present in population databases (gnomAD no frequency). This variant has not been reported in the literature in individuals affected with TTN-related conditions. ClinVar contains an entry for this variant (Variation ID: 2934510). This variant is located in the A band of TTN (PMID: 25589632). Truncating variants in this region are significantly overrepresented in patients affected with dilated cardiomyopathy (PMID: 25589632). Truncating variants in this region have also been reported in individuals affected with autosomal recessive centronuclear myopathy (PMID: 23975875). In summary, the currently available evidence indicates that the variant is pathogenic, but additional data are needed to prove that conclusively. Therefore, this variant has been classified as Likely Pathogenic.

Literature cited by the submitters: PubMed 25589632; PubMed 23975875.